The following is an entry in ClinVar:

ClinVar aggregate classification (germline): Uncertain significance (1 of 4 stars; one submission).

Conditions:
Fanconi anemia (FA). Also called: Fanconi's anemia. Identifiers: Orphanet 84, MedGen C0015625, MeSH D005199, MONDO:0019391.

Submission:

Labcorp Genetics (formerly Invitae), Labcorp
Classification: Uncertain significance for Fanconi anemia. Last evaluated: 2023-09-03. Review status: criteria provided, single submitter. Criteria: Invitae Variant Classification Sherloc (09022015). Collection method: clinical testing. Allele origin: germline.
Comment: This sequence change replaces histidine, which is basic and polar, with glutamine, which is neutral and polar, at codon 1056 of the FANCI protein (p.His1056Gln). This variant is not present in population databases (gnomAD no frequency). In summary, the available evidence is currently insufficient to determine the role of this variant in disease. Therefore, it has been classified as a Variant of Uncertain Significance. Algorithms developed to predict the effect of missense changes on protein structure and function output the following: SIFT: "Not Available"; PolyPhen-2: "Benign"; Align-GVGD: "Not Available". The glutamine amino acid residue is found in multiple mammalian species, which suggests that this missense change does not adversely affect protein function. This variant has not been reported in the literature in individuals affected with FANCI-related conditions.

NM_001113378.2(FANCI):c.3168T>A (p.His1056Gln)

Gene: FANCI (FA complementation group I; plus strand). Cytogenetic location: 15q26.1.
Variant type: single nucleotide variant.
Coding change: c.3168T>A on transcript NM_001113378.2 (MANE Select); coding-DNA position 3168, T replaced by A.
Protein change: p.His1056Gln; replaces histidine 1056 with glutamine.
Molecular consequence: missense variant.
Genome position (GRCh38, 1-based): chr15:89,305,224, T>A. VCF-style: chr15-89305224-T-A. GRCh37 (hg19) VCF-style: chr15-89848455-T-A.
Other names: c.2889T>A, p.His963Gln (NM_001376910.1); c.3168T>A, p.His1056Gln (NM_001376911.1); c.2988T>A, p.His996Gln (NM_018193.3); short protein forms H996Q, H1056Q, H963Q.
Identifiers: ClinVar variation 2757432 (VCV002757432.3), dbSNP rs2508410183, ClinGen allele CA393739490.
Genomic context (GRCh38, chr15:89,305,224, plus strand): 5'-TGTTTCGTATAAGAGTCCTGTCATTCTGCTGCGTGACTTGTCCCAGGATATCCACGGGCA[T>A]CTGGGAGATATAGACCAGGTACTATAATGAGCCTTCAGTACAATACCCTGTGTGGGGATG-3'
Protein context (NP_001106849.1, residues 1046-1066): LRDLSQDIHG[His1056Gln]LGDIDQDVEV